The following is an entry in ClinVar:

ClinVar aggregate classification (germline): Pathogenic (1 of 4 stars; one submission).

Submission:

GeneDx
Classification: Pathogenic. Last evaluated: 2017-06-26. Review status: criteria provided, single submitter. Criteria: GeneDx Variant Classification (06012015). Collection method: clinical testing. Allele origin: germline. Affected: yes.
Comment: The c.337_340delACCT variant in the ADNP gene has not been reported previously as a pathogenic variant nor as a benign variant, to our knowledge. This frameshift pathogenic variant replaces the typical last 990 amino acid residues in the ADNP protein with 46 different amino acid residues. This change is expected to alter the normal structure and function of the resultant protein. The c.337_340delACCT variant is not observed in large population cohorts (Lek et al., 2016; 1000 Genomes Consortium et al., 2015; Exome Variant Server). We interpret c.337_340delACCT as a pathogenic variant

NM_001282531.3(ADNP):c.337_340del (p.Thr113fs)

Gene: ADNP (activity dependent neuroprotector homeobox; minus strand). Cytogenetic location: 20q13.13.
Variant type: Deletion.
Coding change: c.337_340del on transcript NM_001282531.3 (MANE Select); coding-DNA positions 337 to 340, 4 bases deleted (ACCT; older notation c.337_340delACCT).
Protein change: p.Thr113fs; shifts the reading frame from threonine 113.
Molecular consequence: frameshift variant.
Genome position (GRCh38, 1-based): chr20:50,894,374-50,894,377, AGGT deleted on the plus strand (ACCT on the coding strand, the reverse complement: ADNP is on the minus strand); deleting any 4 consecutive bases within chr20:50,894,374-50,894,378 gives the same sequence; the c. name uses the placement nearest the transcript's 3' end. VCF-style (leftmost placement, unchanged base first): chr20-50894373-AAGGT-A. GRCh37 (hg19) VCF-style: chr20-49510910-AAGGT-A.
Other names: c.337_340del, p.Thr113fs (NM_001282532.2, NM_001347511.2, NM_015339.5 and 1 more transcripts); short protein forms T113fs.
Identifiers: ClinVar variation 450110 (VCV000450110.2), dbSNP rs1555810794, ClinGen allele CA658658876.